The following is an entry in ClinVar:

ClinVar aggregate classification (germline): Uncertain significance (1 of 4 stars; one submission).

Conditions:
Alstrom syndrome (ALMS). Identifiers: Orphanet 64, MedGen C0268425, MONDO:0008763, OMIM 203800.

gnomAD v4.1: 5 of 1,611,926 alleles (0.00031%); highest among the groups gnomAD compares: South Asian, 0.0055%; no homozygotes.

Submission:

Labcorp Genetics (formerly Invitae), Labcorp
Classification: Uncertain significance for Alstrom syndrome. Last evaluated: 2024-10-15. Review status: criteria provided, single submitter. Criteria: Invitae Variant Classification Sherloc (09022015). Collection method: clinical testing. Allele origin: germline.
Comment: This sequence change replaces glycine, which is neutral and non-polar, with alanine, which is neutral and non-polar, at codon 485 of the ALMS1 protein (p.Gly485Ala). This variant is present in population databases (rs374663067, gnomAD 0.01%). This variant has not been reported in the literature in individuals affected with ALMS1-related conditions. ClinVar contains an entry for this variant (Variation ID: 2140659). Experimental studies and prediction algorithms are not available or were not evaluated, and the functional significance of this variant is currently unknown. In summary, the available evidence is currently insufficient to determine the role of this variant in disease. Therefore, it has been classified as a Variant of Uncertain Significance.

NM_001378454.1(ALMS1):c.1451G>C (p.Gly484Ala)

Gene: ALMS1 (ALMS1 centrosome and basal body associated protein; plus strand). Cytogenetic location: 2p13.1.
Variant type: single nucleotide variant.
Coding change: c.1451G>C on transcript NM_001378454.1 (MANE Select); coding-DNA position 1451, G replaced by C.
Protein change: p.Gly484Ala; replaces glycine 484 with alanine.
Molecular consequence: missense variant.
Genome position (GRCh38, 1-based): chr2:73,447,978, G>C. VCF-style: chr2-73447978-G-C. GRCh37 (hg19) VCF-style: chr2-73675108-G-C.
Other names: c.1454G>C, p.Gly485Ala (NM_015120.4); short protein forms G484A, G485A.
Identifiers: ClinVar variation 2140659 (VCV002140659.3), dbSNP rs374663067, ClinGen allele CA1713176.